The following is an entry in ClinVar:

ClinVar aggregate classification (germline): Uncertain significance (1 of 4 stars; one submission).

Conditions:
Brugada syndrome 4 (BRGDA4). Identifiers: Orphanet 130, MedGen C2678477, MONDO:0012743, OMIM 611876.

Submission:

Labcorp Genetics (formerly Invitae), Labcorp
Classification: Uncertain significance for Brugada syndrome 4. Last evaluated: 2017-09-14. Review status: criteria provided, single submitter. Criteria: Invitae Variant Classification Sherloc (09022015). Collection method: clinical testing. Allele origin: germline.
Comment: This sequence change replaces aspartic acid with glycine at codon 92 of the CACNB2 protein (p.Asp92Gly). The aspartic acid residue is highly conserved and there is a moderate physicochemical difference between aspartic acid and glycine. This variant is not present in population databases (ExAC no frequency). This variant has not been reported in the literature in individuals with CACNB2-related disease. Algorithms developed to predict the effect of missense changes on protein structure and function do not agree on the potential impact of this missense change (SIFT: "Deleterious"; PolyPhen-2: "Probably Damaging"; Align-GVGD: "Class C0"). Algorithms developed to predict the effect of sequence changes on RNA splicing suggest that this variant may create or strengthen a splice site, but this prediction has not been confirmed by published transcriptional studies. In summary, the available evidence is currently insufficient to determine the role of this variant in disease. Therefore, it has been classified as a Variant of Uncertain Significance.

NM_201596.3(CACNB2):c.437A>G (p.Asp146Gly)

Gene: CACNB2 (calcium voltage-gated channel auxiliary subunit beta 2; plus strand). Cytogenetic location: 10p12.31.
Variant type: single nucleotide variant.
Coding change: c.437A>G on transcript NM_201596.3 (MANE Select); coding-DNA position 437, A replaced by G.
Protein change: p.Asp146Gly; replaces aspartic acid 146 with glycine.
Molecular consequence: missense variant.
Genome position (GRCh38, 1-based): chr10:18,498,458, A>G. VCF-style: chr10-18498458-A-G. GRCh37 (hg19) VCF-style: chr10-18787387-A-G.
Other names: c.272A>G, p.Asp91Gly (NM_000724.4, NM_001330060.2); c.353A>G, p.Asp118Gly (NM_001167945.2, NM_201571.4, NM_201572.4); c.293A>G, p.Asp98Gly (NM_201570.3); c.275A>G, p.Asp92Gly (NM_201590.3); c.437A>G, p.Asp146Gly (NM_201593.3, NM_201597.3); short protein forms D92G, D146G, D91G, D98G, D118G.
Identifiers: ClinVar variation 537366 (VCV000537366.8), dbSNP rs1554831392, ClinGen allele CA376056970.